The following is an entry in ClinVar:

NM_004357.5(CD151):c.277-4C>G

Gene: CD151 (CD151 molecule (Raph blood group); plus strand). Cytogenetic location: 11p15.5.
Variant type: single nucleotide variant.
Coding change: c.277-4C>G on transcript NM_004357.5 (MANE Select); 4 bases into the intron before coding-DNA position 277, C replaced by G.
Molecular consequence: intron variant.
Genome position (GRCh38, 1-based): chr11:836,765, C>G. VCF-style: chr11-836765-C-G. GRCh37 (hg19) VCF-style: chr11-836765-C-G.
Other names: c.277-4C>G (NM_139030.4, NM_139029.2, NM_001039490.2).
Identifiers: ClinVar variation 4977790 (VCV004977790.1).

ClinVar aggregate classification (germline): Likely benign (1 of 4 stars; one submission).

Conditions:
CD151-related disorder. Also called: CD151-related condition.

gnomAD v4.1: 159 of 1,612,562 alleles (0.0099%); highest among the groups gnomAD compares: Non-Finnish European, 0.011%; no homozygotes.

Submission:

PreventionGenetics, part of Exact Sciences
Classification: Likely benign for CD151-related condition. Last evaluated: 2026-06-17. Review status: criteria provided, single submitter. Criteria: ACMG Guidelines, 2015. Collection method: clinical testing. Allele origin: germline.
Comment: This variant is classified as likely benign based on ACMG/AMP sequence variant interpretation guidelines (Richards et al. 2015 PMID: 25741868, with internal and published modifications).